The following is an entry in ClinVar:

NM_198904.4(GABRG2):c.1202dup (p.Asn401fs)

Gene: GABRG2 (gamma-aminobutyric acid type A receptor subunit gamma2; plus strand). Cytogenetic location: 5q34.
Variant type: Duplication.
Coding change: c.1202dup on transcript NM_198904.4 (MANE Select); coding-DNA position 1202, one base duplicated (A; older notation c.1202dupA).
Protein change: p.Asn401fs; shifts the reading frame from asparagine 401.
Molecular consequence: frameshift variant. On other transcripts: 3 prime UTR variant (1).
Genome position (GRCh38, 1-based): chr5:162,153,142, A duplicated; the last of 2 consecutive A bases (chr5:162,153,141-162,153,142); duplicating either gives the same sequence. VCF-style (leftmost placement, unchanged base first): chr5-162153140-T-TA. GRCh37 (hg19) VCF-style: chr5-161580146-T-TA.
Other names: c.1178dup, p.Asn393fs (NM_000816.3); c.1193dup, p.Asn398fs (NM_001375339.1); c.*36dup (NM_001375340.1); c.1199dup, p.Asn400fs (NM_001375341.1); c.1175dup, p.Asn392fs (NM_001375342.1); c.1298dup, p.Asn433fs (NM_001375343.1); c.1241dup, p.Asn414fs (NM_001375344.1); c.1112dup, p.Asn371fs (NM_001375345.1); and 6 more; short protein forms N298fs, N371fs, N372fs, N398fs, N253fs, N261fs, N379fs, N400fs.
Identifiers: ClinVar variation 2947376 (VCV002947376.3), dbSNP rs2532774720, ClinGen allele CA2740094178.

ClinVar aggregate classification (germline): Pathogenic (1 of 4 stars; one submission).

Conditions:
EPILEPSY, CHILDHOOD ABSENCE, SUSCEPTIBILITY TO, 2 (ECA2). Identifiers: Orphanet 64280, MedGen C1843244, OMIM 607681.
Febrile seizures, familial, 8 (FEB8). Also called: CONVULSIONS, FAMILIAL FEBRILE, 8. Identifiers: Orphanet 36387, MedGen C1969810, MONDO:0011891, OMIM 607681.

Submission:

Labcorp Genetics (formerly Invitae), Labcorp
Classification: Pathogenic for Febrile seizures, familial, 8; EPILEPSY, CHILDHOOD ABSENCE, SUSCEPTIBILITY TO, 2. Last evaluated: 2023-05-01. Review status: criteria provided, single submitter. Criteria: Invitae Variant Classification Sherloc (09022015). Collection method: clinical testing. Allele origin: germline.
Comment: For these reasons, this variant has been classified as Pathogenic. This sequence change creates a premature translational stop signal (p.Asn393Lysfs*10) in the GABRG2 gene. While this is not anticipated to result in nonsense mediated decay, it is expected to disrupt the last 75 amino acid(s) of the GABRG2 protein. This variant is not present in population databases (gnomAD no frequency). This variant has not been reported in the literature in individuals affected with GABRG2-related conditions. This variant disrupts a region of the GABRG2 protein in which other variant(s) (p.Trp429*) have been determined to be pathogenic (PMID: 18566737). This suggests that this is a clinically significant region of the protein, and that variants that disrupt it are likely to be disease-causing.

Literature cited by the submitters: PubMed 18566737.